The following is an entry in ClinVar:

ClinVar aggregate classification (germline): Uncertain significance (1 of 4 stars; one submission).

Allele frequency attached by ClinVar (database versions not stated): TOPMed below 0.00001.
gnomAD v4.1: 1 of 1,612,806 alleles (0.000062%); highest among the groups gnomAD compares: South Asian, 0.0011%; no homozygotes.

Submission:

Ambry Genetics
Classification: Uncertain significance. Last evaluated: 2024-08-31. Review status: criteria provided, single submitter. Criteria: Ambry Variant Classification Scheme 2023. Collection method: clinical testing. Allele origin: germline.
Comment: The p.R494G variant (also known as c.1480A>G), located in coding exon 12 of the RECQL gene, results from an A to G substitution at nucleotide position 1480. The arginine at codon 494 is replaced by glycine, an amino acid with dissimilar properties. This amino acid position is not well conserved in available vertebrate species. In addition, this alteration is predicted to be tolerated by in silico analysis. Since supporting evidence is limited at this time, the clinical significance of this alteration remains unclear.

NM_002907.4(RECQL):c.1480A>G (p.Arg494Gly)

Gene: RECQL (RecQ like helicase; minus strand). Cytogenetic location: 12p12.1.
Variant type: single nucleotide variant.
Coding change: c.1480A>G on transcript NM_002907.4 (MANE Select); coding-DNA position 1480, A replaced by G.
Protein change: p.Arg494Gly; replaces arginine 494 with glycine.
Molecular consequence: missense variant.
Genome position (GRCh38, 1-based): chr12:21,471,615, T>C on the plus strand (A>G on the coding strand, the complement: RECQL is on the minus strand). VCF-style: chr12-21471615-T-C. GRCh37 (hg19) VCF-style: chr12-21624549-T-C.
Other names: c.1480A>G, p.Arg494Gly (NM_032941.3); short protein forms R494G.
Identifiers: ClinVar variation 1773558 (VCV001773558.3), dbSNP rs1942967495, ClinGen allele CA384116328.